The following is an entry in ClinVar:

NM_000455.5(STK11):c.1197G>T (p.Gln399His)

Gene: STK11 (serine/threonine kinase 11; plus strand). Cytogenetic location: 19p13.3.
Variant type: single nucleotide variant.
Coding change: c.1197G>T on transcript NM_000455.5 (MANE Select); coding-DNA position 1197, G replaced by T.
Protein change: p.Gln399His; replaces glutamine 399 with histidine.
Molecular consequence: missense variant.
Genome position (GRCh38, 1-based): chr19:1,226,542, G>T. VCF-style: chr19-1226542-G-T. GRCh37 (hg19) VCF-style: chr19-1226541-G-T.
Other names: short protein forms Q399H.
Identifiers: ClinVar variation 818553 (VCV000818553.14), dbSNP rs1436178098, ClinGen allele CA402953660.

ClinVar aggregate classification (germline): Conflicting classifications of pathogenicity. Review status: criteria provided, conflicting classifications (1 of 4 stars). 4 submissions from 4 submitters: Uncertain significance (3); Likely benign (1). Last evaluated 2026-09-08.

Conditions:
Hereditary cancer-predisposing syndrome. Also called: Tumor predisposition; Hereditary Cancer Syndrome; Neoplastic Syndromes, Hereditary; Hereditary neoplastic syndrome. Identifiers: Orphanet 140162, MedGen C0027672, MeSH D009386, MONDO:0015356.
Peutz-Jeghers syndrome (PJS). Also called: POLYPOSIS, HAMARTOMATOUS INTESTINAL; POLYPS-AND-SPOTS SYNDROME; Peutz-Jeghers polyposis; Periorificial lentiginosis syndrome. Identifiers: Orphanet 2869, MedGen C0031269, MeSH D010580, MONDO:0008280, OMIM 175200.
Melanoma, cutaneous malignant, susceptibility to, 1 (CMM1). Also called: MELANOMA, MALIGNANT; B-K MOLE SYNDROME; DYSPLASTIC NEVUS SYNDROME, HEREDITARY; FAMILIAL ATYPICAL MOLE-MALIGNANT MELANOMA SYNDROME. Identifiers: Orphanet 618, MedGen C1835047, MONDO:0007963, OMIM 155600.

Allele frequency attached by ClinVar (database versions not stated): TOPMed below 0.00001; gnomAD 0.00001.

Submissions (4):

Ambry Genetics
Classification: Likely benign for Hereditary cancer-predisposing syndrome. Last evaluated: 2026-09-08. Review status: criteria provided, single submitter. Criteria: Ambry Variant Classification Scheme 2023. Collection method: clinical testing. Allele origin: germline.

Labcorp Genetics (formerly Invitae), Labcorp
Classification: Uncertain significance for Peutz-Jeghers syndrome. Last evaluated: 2024-03-18. Review status: criteria provided, single submitter. Criteria: Invitae Variant Classification Sherloc (09022015). Collection method: clinical testing. Allele origin: germline.
Comment: This sequence change replaces glutamine, which is neutral and polar, with histidine, which is basic and polar, at codon 399 of the STK11 protein (p.Gln399His). This variant is not present in population databases (gnomAD no frequency). This variant has not been reported in the literature in individuals affected with STK11-related conditions. ClinVar contains an entry for this variant (Variation ID: 818553). Advanced modeling of protein sequence and biophysical properties (such as structural, functional, and spatial information, amino acid conservation, physicochemical variation, residue mobility, and thermodynamic stability) performed at Invitae indicates that this missense variant is not expected to disrupt STK11 protein function with a negative predictive value of 95%. In summary, the available evidence is currently insufficient to determine the role of this variant in disease. Therefore, it has been classified as a Variant of Uncertain Significance.

GeneDx
Classification: Uncertain significance. Last evaluated: 2024-02-09. Review status: criteria provided, single submitter. Criteria: GeneDx Variant Classification Process June 2021. Collection method: clinical testing. Allele origin: germline. Affected: yes.
Comment: Not observed at significant frequency in large population cohorts (gnomAD); In silico analysis supports that this missense variant does not alter protein structure/function; Has not been previously published as pathogenic or benign to our knowledge; This variant is associated with the following publications: (PMID: 28900777)

Baylor Genetics
Classification: Uncertain significance for Melanoma, cutaneous malignant, susceptibility to, 1. Last evaluated: 2023-05-28. Review status: criteria provided, single submitter. Criteria: ACMG Guidelines, 2015. Collection method: clinical testing. Allele origin: unknown.